The following is an entry in ClinVar:

NC_000017.10:g.(?_38787824)_(38787965_?)del

Gene: SMARCE1 (SWI/SNF related BAF chromatin remodeling complex subunit E1; minus strand). Cytogenetic location: 17q21.2.
Variant type: Deletion.
Identifiers: ClinVar variation 3243032 (VCV003243032.1).

ClinVar aggregate classification (germline): Uncertain significance (1 of 4 stars; one submission).

Conditions:
Familial meningioma. Also called: Meningioma, familial, susceptibility to. Identifiers: Orphanet 263662, MedGen C3551915, MONDO:0011789, OMIM 607174.

Submission:

Labcorp Genetics (formerly Invitae), Labcorp
Classification: Uncertain significance for Familial meningioma. Last evaluated: 2023-01-26. Review status: criteria provided, single submitter. Criteria: Invitae Variant Classification Sherloc (09022015). Collection method: clinical testing. Allele origin: unknown.
Comment: In summary, the available evidence is currently insufficient to determine the role of this variant in disease. Therefore, it has been classified as a Variant of Uncertain Significance. Experimental studies and prediction algorithms are not available or were not evaluated, and the functional significance of this variant is currently unknown. This variant has not been reported in the literature in individuals affected with SMARCE1-related conditions. This variant is a gross deletion of the genomic region encompassing exon(s) 9 of the SMARCE1 gene. This variant would be expected to be in-frame, preserving the integrity of the reading frame.